The following is an entry in ClinVar:

ClinVar aggregate classification (germline): Uncertain significance (1 of 4 stars; one submission).

Allele frequency attached by ClinVar (database versions not stated): ExAC 0.00001.

Submission:

Labcorp Genetics (formerly Invitae), Labcorp
Classification: Uncertain significance. Last evaluated: 2022-09-21. Review status: criteria provided, single submitter. Criteria: Invitae Variant Classification Sherloc (09022015). Collection method: clinical testing. Allele origin: germline.
Comment: In summary, the available evidence is currently insufficient to determine the role of this variant in disease. Therefore, it has been classified as a Variant of Uncertain Significance. Advanced modeling of protein sequence and biophysical properties (such as structural, functional, and spatial information, amino acid conservation, physicochemical variation, residue mobility, and thermodynamic stability) performed at Invitae indicates that this missense variant is expected to disrupt MCM5 protein function. This variant has not been reported in the literature in individuals affected with MCM5-related conditions. This variant is present in population databases (rs773839295, gnomAD 0.002%). This sequence change replaces proline, which is neutral and non-polar, with leucine, which is neutral and non-polar, at codon 259 of the MCM5 protein (p.Pro259Leu).

NM_006739.4(MCM5):c.776C>T (p.Pro259Leu)

Gene: MCM5 (minichromosome maintenance complex component 5; plus strand). Cytogenetic location: 22q12.3.
Variant type: single nucleotide variant.
Coding change: c.776C>T on transcript NM_006739.4 (MANE Select); coding-DNA position 776, C replaced by T.
Protein change: p.Pro259Leu; replaces proline 259 with leucine.
Molecular consequence: missense variant.
Genome position (GRCh38, 1-based): chr22:35,410,767, C>T. VCF-style: chr22-35410767-C-T. GRCh37 (hg19) VCF-style: chr22-35806760-C-T.
Other names: short protein forms P259L.
Identifiers: ClinVar variation 1945918 (VCV001945918.5), dbSNP rs773839295, ClinGen allele CA10205174.